The following is an entry in ClinVar:

NM_198253.3(TERT):c.1388G>C (p.Gly463Ala)

Gene: TERT (telomerase reverse transcriptase; minus strand). Cytogenetic location: 5p15.33.
Variant type: single nucleotide variant.
Coding change: c.1388G>C on transcript NM_198253.3 (MANE Select); coding-DNA position 1388, G replaced by C.
Protein change: p.Gly463Ala; replaces glycine 463 with alanine.
Molecular consequence: missense variant. On other transcripts: non-coding transcript variant (2).
Genome position (GRCh38, 1-based): chr5:1,293,498, C>G on the plus strand (G>C on the coding strand, the complement: TERT is on the minus strand). VCF-style: chr5-1293498-C-G. GRCh37 (hg19) VCF-style: chr5-1293613-C-G.
Other names: c.1388G>C, p.Gly463Ala (NM_001193376.3); short protein forms G463A.
Identifiers: ClinVar variation 1378982 (VCV001378982.8), dbSNP rs2126684423, ClinGen allele CA359085851.

ClinVar aggregate classification (germline): Uncertain significance (1 of 4 stars; one submission).

Conditions:
Idiopathic Pulmonary Fibrosis. Also called: Idiopathic fibrosing alveolitis, chronic form; idiopathic fibrosing alveolitis. Identifiers: Orphanet 2032, MedGen C1800706, MeSH D054990, MONDO:0800504.
Dyskeratosis congenita, autosomal dominant 2. Identifiers: MedGen C3151443, MONDO:0013521, OMIM 613989.

Submission:

Labcorp Genetics (formerly Invitae), Labcorp
Classification: Uncertain significance for Dyskeratosis congenita, autosomal dominant 2; Idiopathic Pulmonary Fibrosis. Last evaluated: 2021-03-14. Review status: criteria provided, single submitter. Criteria: Invitae Variant Classification Sherloc (09022015). Collection method: clinical testing. Allele origin: germline.
Comment: This variant has not been reported in the literature in individuals with TERT-related conditions. This variant is not present in population databases (ExAC no frequency). This sequence change replaces glycine with alanine at codon 463 of the TERT protein (p.Gly463Ala). The glycine residue is weakly conserved and there is a small physicochemical difference between glycine and alanine. Advanced modeling of protein sequence and biophysical properties (such as structural, functional, and spatial information, amino acid conservation, physicochemical variation, residue mobility, and thermodynamic stability) performed at Invitae indicates that this missense variant is not expected to disrupt TERT protein function. In summary, the available evidence is currently insufficient to determine the role of this variant in disease. Therefore, it has been classified as a Variant of Uncertain Significance.